The following is an entry in ClinVar:

NM_000199.5(SGSH):c.349C>T (p.Arg117Cys)

Gene: SGSH (N-sulfoglucosamine sulfohydrolase; minus strand). Cytogenetic location: 17q25.3.
Variant type: single nucleotide variant.
Coding change: c.349C>T on transcript NM_000199.5 (MANE Select); coding-DNA position 349, C replaced by T.
Protein change: p.Arg117Cys; replaces arginine 117 with cysteine.
Molecular consequence: missense variant.
Genome position (GRCh38, 1-based): chr17:80,215,039, G>A on the plus strand (C>T on the coding strand, the complement: SGSH is on the minus strand). VCF-style: chr17-80215039-G-A. GRCh37 (hg19) VCF-style: chr17-78188838-G-A.
Other names: c.349C>T, p.Arg117Cys (NM_001352921.3, NM_001352922.2); short protein forms R117C.
Identifiers: ClinVar variation 1415762 (VCV001415762.3), dbSNP rs772732363, ClinGen allele CA8818077.
Genomic context (GRCh38, chr17:80,215,039, plus strand): 5'-TGGCCTGGCCTCTGTGCCTCACCCCACGCCCTGTCCTCGGCACGGGGTCCTCACCTGTGC[G>A]CACACCAGCTTGGCTGAGCAGCAGCGGCAGGCTCCGCACCTTGTCGAAGGAGTTGAAGTG-3'
Protein context (NP_000190.1, residues 107-127): LPLLLSQAGV[Arg117Cys]TGIIGKKHVG

ClinVar aggregate classification (germline): Uncertain significance (1 of 4 stars; one submission).

Conditions:
Mucopolysaccharidosis, MPS-III-A (MPS3A). Also called: HEPARAN SULFATE SULFATASE DEFICIENCY; SANFILIPPO SYNDROME A; SULFAMIDASE DEFICIENCY; MPS III A; MPS IIIA (Sanfilippo Syndrome Type A); Mucopolysaccharidosis type IIIA (Sanfilippo A). Identifiers: Orphanet 581, Orphanet 79269, MedGen C0086647, MONDO:0009655, OMIM 252900.

Allele frequency attached by ClinVar (database versions not stated): TOPMed 0.00008; gnomAD exomes 0.00004 and 0.00002; ExAC 0.00004; gnomAD 0.00009.
gnomAD v4.1: 46 of 1,609,748 alleles (0.0029%); highest among the groups gnomAD compares: Middle Eastern, 0.033%; no homozygotes.

Submission:

Labcorp Genetics (formerly Invitae), Labcorp
Classification: Uncertain significance for Mucopolysaccharidosis, MPS-III-A. Last evaluated: 2022-07-21. Review status: criteria provided, single submitter. Criteria: Invitae Variant Classification Sherloc (09022015). Collection method: clinical testing. Allele origin: germline.
Comment: This sequence change replaces arginine, which is basic and polar, with cysteine, which is neutral and slightly polar, at codon 117 of the SGSH protein (p.Arg117Cys). This variant is present in population databases (rs772732363, gnomAD 0.02%). This variant has not been reported in the literature in individuals affected with SGSH-related conditions. ClinVar contains an entry for this variant (Variation ID: 1415762). Algorithms developed to predict the effect of missense changes on protein structure and function are either unavailable or do not agree on the potential impact of this missense change (SIFT: "Deleterious"; PolyPhen-2: "Probably Damaging"; Align-GVGD: "Class C0"). In summary, the available evidence is currently insufficient to determine the role of this variant in disease. Therefore, it has been classified as a Variant of Uncertain Significance.